The following is an entry in ClinVar:

NM_001972.4(ELANE):c.64G>C (p.Gly22Arg)

Gene: ELANE (elastase, neutrophil expressed; plus strand). Cytogenetic location: 19p13.3.
Variant type: single nucleotide variant.
Coding change: c.64G>C on transcript NM_001972.4 (MANE Select); coding-DNA position 64, G replaced by C.
Protein change: p.Gly22Arg; replaces glycine 22 with arginine.
Molecular consequence: missense variant.
Genome position (GRCh38, 1-based): chr19:852,392, G>C. VCF-style: chr19-852392-G-C. GRCh37 (hg19) VCF-style: chr19-852392-G-C.
Other names: c.64G>C (LRG_57t1); short protein forms G22R.
Identifiers: ClinVar variation 665494 (VCV000665494.11), dbSNP rs1477643766, ClinGen allele CA402914263.

ClinVar aggregate classification (germline): Uncertain significance (1 of 4 stars; one submission).

Conditions:
Cyclical neutropenia. Also called: Cyclic Neutropenia; Cyclic hematopoiesis. Identifiers: Orphanet 2686, MedGen C0221023, MONDO:0008090, OMIM 162800, HP:0040289. Disease mechanism: loss of function.
Neutropenia, severe congenital, 1, autosomal dominant. Identifiers: MedGen C1859966, MONDO:0042490, OMIM 202700.

Allele frequency attached by ClinVar (database versions not stated): gnomAD exomes below 0.00001; TOPMed below 0.00001.
gnomAD v4.1: 1 of 1,611,232 alleles (0.000062%); highest among the groups gnomAD compares: Admixed American, 0.0017%; no homozygotes.

Submission:

Labcorp Genetics (formerly Invitae), Labcorp
Classification: Uncertain significance for Neutropenia, severe congenital, 1, autosomal dominant; Cyclical neutropenia. Last evaluated: 2024-12-02. Review status: criteria provided, single submitter. Criteria: Invitae Variant Classification Sherloc (09022015). Collection method: clinical testing. Allele origin: germline.
Comment: This sequence change replaces glycine, which is neutral and non-polar, with arginine, which is basic and polar, at codon 22 of the ELANE protein (p.Gly22Arg). This variant is present in population databases (no rsID available, gnomAD 0.003%). This variant has not been reported in the literature in individuals affected with ELANE-related conditions. ClinVar contains an entry for this variant (Variation ID: 665494). Invitae Evidence Modeling of protein sequence and biophysical properties (such as structural, functional, and spatial information, amino acid conservation, physicochemical variation, residue mobility, and thermodynamic stability) has been performed for this missense variant. However, the output from this modeling did not meet the statistical confidence thresholds required to predict the impact of this variant on ELANE protein function. In summary, the available evidence is currently insufficient to determine the role of this variant in disease. Therefore, it has been classified as a Variant of Uncertain Significance.